The following is an entry in ClinVar:

NC_000005.10:g.(?_37221304)_(37224760_?)dup

Gene: CPLANE1 (ciliogenesis and planar polarity effector complex subunit 1; minus strand). Cytogenetic location: 5p13.2.
Variant type: Duplication.
Identifiers: ClinVar variation 831188 (VCV000831188.1).

ClinVar aggregate classification (germline): Likely pathogenic (1 of 4 stars; one submission).

Submission:

Labcorp Genetics (formerly Invitae), Labcorp
Classification: Likely pathogenic. Last evaluated: 2019-04-30. Review status: criteria provided, single submitter. Criteria: Invitae Variant Classification Sherloc (09022015). Collection method: clinical testing. Allele origin: germline.
Comment: This variant results in a copy number gain of the genomic region encompassing exons 13-15 of the CPLANE1 gene. While the exact position of this variant cannot be determined from this data, sub-genic copy number gains are generally in tandem (PMID: 25640679) and may result in an absent or disrupted protein product. This variant has not been reported in the literature in individuals with CPLANE1-related conditions. Loss-of-function variants in CPLANE1 are known to be pathogenic (PMID: 22425360, 24178751). In summary, the currently available evidence indicates that the variant is pathogenic, but additional data are needed to prove that conclusively. Therefore, this variant has been classified as Likely Pathogenic.